The following is an entry in ClinVar:

ClinVar aggregate classification (germline): Uncertain significance (1 of 4 stars; one submission).

gnomAD v4.1: 1 of 1,197,281 alleles (0.000084%); highest among the groups gnomAD compares: Non-Finnish European, 0.00011%; no homozygotes.

Submission:

GeneDx
Classification: Uncertain significance. Last evaluated: 2019-11-10. Review status: criteria provided, single submitter. Criteria: GeneDx Variant Classification Process June 2021. Collection method: clinical testing. Allele origin: germline. Affected: yes.
Comment: Not observed in large population cohorts (Lek et al., 2016); In silico analysis, which includes protein predictors and evolutionary conservation, supports that this variant does not alter protein structure/function; Has not been previously published as pathogenic or benign to our knowledge

NM_181672.3(OGT):c.28G>A (p.Asp10Asn)

Genes: OGT (O-linked N-acetylglucosamine (GlcNAc) transferase; plus strand), LOC126863277 (MED14-independent group 3 enhancer GRCh37_chrX:70752005-70753204; plus strand). Cytogenetic location: Xq13.1.
Variant type: single nucleotide variant.
Coding change: c.28G>A on transcript NM_181672.3 (MANE Select); coding-DNA position 28, G replaced by A.
Protein change: p.Asp10Asn; replaces aspartic acid 10 with asparagine.
Molecular consequence: missense variant.
Genome position (GRCh38, 1-based): chrX:71,533,327, G>A. VCF-style: chrX-71533327-G-A. GRCh37 (hg19) VCF-style: chrX-70753177-G-A.
Other names: c.28G>A, p.Asp10Asn (NM_181673.3); short protein forms D10N.
Identifiers: ClinVar variation 1304686 (VCV001304686.2), dbSNP rs2147664606, ClinGen allele CA413532842.
Genomic context (GRCh38, chrX:71,533,327, plus strand): 5'-ACCTCTTTTTTGCTCTCCCTCGAGAAGCTCCAGATGGCGTCTTCCGTGGGCAACGTGGCC[G>A]ACAGCACAGGTACCGGTGTCCCGTTCTACCTTGGCAGATGCCCCCTTGGGGTCTCGCGCC-3'
Protein context (NP_858058.1, residues 1-20): MASSVGNVA[Asp10Asn]STEPTKRMLS